The following is an entry in ClinVar:

ClinVar aggregate classification (germline): Benign/Likely benign. Review status: criteria provided, multiple submitters, no conflicts (2 of 4 stars). 3 submissions from 3 submitters: Benign (1); Likely benign (1). 1 of the submissions does not count toward it. Last evaluated 2023-12-07.

Conditions:
SCAPER-related disorder. Also called: SCAPER-related condition.

Allele frequency attached by ClinVar (database versions not stated): gnomAD exomes 0.00008 and 0.00020; ExAC 0.00027; gnomAD 0.00085 and 0.00091; ESP Exome Variant Server 0.00119; TOPMed 0.00121; 1000 Genomes Project 30x 0.00156; 1000 Genomes Project 0.00160.
gnomAD v4.1: 256 of 1,613,762 alleles (0.016%); highest among the groups gnomAD compares: African/African-American, 0.29%; 1 homozygote.

Submissions (3):

Blueprint Genetics
Classification: Benign. Last evaluated: 2023-12-07. Review status: criteria provided, single submitter. Criteria: ACMG Guidelines, 2015. Collection method: clinical testing. Allele origin: germline.

Labcorp Genetics (formerly Invitae), Labcorp
Classification: Likely benign. Last evaluated: 2018-12-11. Review status: criteria provided, single submitter. Criteria: Invitae Variant Classification Sherloc (09022015). Collection method: clinical testing. Allele origin: germline.

PreventionGenetics, part of Exact Sciences
Classification: Likely benign for SCAPER-related condition. Last evaluated: 2024-07-17. Review status: no assertion criteria provided. Collection method: clinical testing. Allele origin: germline. Not counted in ClinVar's aggregate classification.
Comment: This variant is classified as likely benign based on ACMG/AMP sequence variant interpretation guidelines (Richards et al. 2015 PMID: 25741868, with internal and published modifications).

NM_020843.4(SCAPER):c.230C>T (p.Thr77Met)

Gene: SCAPER (S-phase cyclin A associated protein in the ER; minus strand). Cytogenetic location: 15q24.3.
Variant type: single nucleotide variant.
Coding change: c.230C>T on transcript NM_020843.4 (MANE Select); coding-DNA position 230, C replaced by T.
Protein change: p.Thr77Met; replaces threonine 77 with methionine.
Molecular consequence: missense variant. On other transcripts: 5 prime UTR variant (4), non-coding transcript variant (1).
Genome position (GRCh38, 1-based): chr15:76,841,897, G>A on the plus strand (C>T on the coding strand, the complement: SCAPER is on the minus strand). VCF-style: chr15-76841897-G-A. GRCh37 (hg19) VCF-style: chr15-77134238-G-A.
Other names: c.-668C>T (NM_001145923.2); c.230C>T, p.Thr77Met (NM_001353009.2); c.-173C>T (NM_001353010.2, NM_001353011.2, NM_001353012.2); c.230C>T (NM_001353009.1); short protein forms T77M.
Identifiers: ClinVar variation 723691 (VCV000723691.5), dbSNP rs61738376, ClinGen allele CA7675253.